The following is an entry in ClinVar:

NM_003906.5(MCM3AP):c.4781A>C (p.Glu1594Ala)

Genes: MCM3AP (minichromosome maintenance complex component 3 associated protein; minus strand), MCM3AP-AS1 (MCM3AP antisense RNA 1; plus strand). Cytogenetic location: 21q22.3.
Variant type: single nucleotide variant.
Coding change: c.4781A>C on transcript NM_003906.5 (MANE Select); coding-DNA position 4781, A replaced by C.
Protein change: p.Glu1594Ala; replaces glutamic acid 1594 with alanine.
Molecular consequence: missense variant.
Genome position (GRCh38, 1-based): chr21:46,245,064, T>G on the plus strand (A>C on the coding strand, the complement: MCM3AP is on the minus strand). VCF-style: chr21-46245064-T-G. GRCh37 (hg19) VCF-style: chr21-47664978-T-G.
Other names: short protein forms E1594A.
Identifiers: ClinVar variation 1954400 (VCV001954400.5), dbSNP rs1569054539, ClinGen allele CA410543680.
Genomic context (GRCh38, chr21:46,245,064, plus strand): 5'-CTGTTAAACAGCTCAATGATGGCGCCAGGCTCCTGAGAAGCAAGACCGCCCAGACGCCTC[T>G]CTCTTCTGTCATGGAAAAAGCGGCCACTAAACTCATGGCCAATCCCGTCTTCGACGTACT-3'
Protein context (NP_003897.2, residues 1584-1604): FSGRFFHDRR[Glu1594Ala]RRLGGLASQE

ClinVar aggregate classification (germline): Uncertain significance (1 of 4 stars; one submission).

Allele frequency attached by ClinVar (database versions not stated): gnomAD exomes below 0.00001.
gnomAD v4.1: 4 of 1,614,172 alleles (0.00025%); highest among the groups gnomAD compares: Non-Finnish European, 0.00034%; no homozygotes.

Submission:

Labcorp Genetics (formerly Invitae), Labcorp
Classification: Uncertain significance. Last evaluated: 2022-05-30. Review status: criteria provided, single submitter. Criteria: Invitae Variant Classification Sherloc (09022015). Collection method: clinical testing. Allele origin: germline.
Comment: This sequence change replaces glutamic acid, which is acidic and polar, with alanine, which is neutral and non-polar, at codon 1594 of the MCM3AP protein (p.Glu1594Ala). This variant is not present in population databases (gnomAD no frequency). This variant has not been reported in the literature in individuals affected with MCM3AP-related conditions. Algorithms developed to predict the effect of missense changes on protein structure and function are either unavailable or do not agree on the potential impact of this missense change (SIFT: "Deleterious"; PolyPhen-2: "Probably Damaging"; Align-GVGD: "Class C0"). In summary, the available evidence is currently insufficient to determine the role of this variant in disease. Therefore, it has been classified as a Variant of Uncertain Significance.